The following is an entry in ClinVar:

NM_000090.4(COL3A1):c.3914C>G (p.Ala1305Gly)

Gene: COL3A1 (collagen type III alpha 1 chain; plus strand). Cytogenetic location: 2q32.2.
Variant type: single nucleotide variant.
Coding change: c.3914C>G on transcript NM_000090.4 (MANE Select); coding-DNA position 3914, C replaced by G.
Protein change: p.Ala1305Gly; replaces alanine 1305 with glycine.
Molecular consequence: missense variant.
Genome position (GRCh38, 1-based): chr2:189,010,268, C>G. VCF-style: chr2-189010268-C-G. GRCh37 (hg19) VCF-style: chr2-189874994-C-G.
Other names: short protein forms A1305G.
Identifiers: ClinVar variation 404295 (VCV000404295.9), dbSNP rs1060500197, ClinGen allele CA16610603.

ClinVar aggregate classification (germline): Uncertain significance (1 of 4 stars; one submission).

Conditions:
Ehlers-Danlos syndrome, type 4 (EDSVASC). Also called: Ehlers-Danlos Syndrome Type IV; Ehlers-Danlos syndrome vascular type; Ehlers Danlos syndrome, ecchymotic type; Ehlers Danlos syndrome, arterial type; Ehlers Danlos syndrome, Sack-Barabas type. Identifiers: Orphanet 286, MedGen C0268338, MONDO:0017314, OMIM 130050.

Allele frequency attached by ClinVar (database versions not stated): gnomAD exomes below 0.00001.
gnomAD v4.1: 1 of 1,614,138 alleles (0.000062%); highest among the groups gnomAD compares: Middle Eastern, 0.016%; no homozygotes.

Submission:

Labcorp Genetics (formerly Invitae), Labcorp
Classification: Uncertain significance for Ehlers-Danlos syndrome, type 4. Last evaluated: 2022-06-04. Review status: criteria provided, single submitter. Criteria: Invitae Variant Classification Sherloc (09022015). Collection method: clinical testing. Allele origin: germline.
Comment: This sequence change replaces alanine, which is neutral and non-polar, with glycine, which is neutral and non-polar, at codon 1305 of the COL3A1 protein (p.Ala1305Gly). This variant is not present in population databases (gnomAD no frequency). This variant has not been reported in the literature in individuals affected with COL3A1-related conditions. ClinVar contains an entry for this variant (Variation ID: 404295). Advanced modeling of protein sequence and biophysical properties (such as structural, functional, and spatial information, amino acid conservation, physicochemical variation, residue mobility, and thermodynamic stability) performed at Invitae indicates that this missense variant is not expected to disrupt COL3A1 protein function. In summary, the available evidence is currently insufficient to determine the role of this variant in disease. Therefore, it has been classified as a Variant of Uncertain Significance.